The following is an entry in ClinVar:

ClinVar aggregate classification (germline): Likely benign (1 of 4 stars; one submission).

Submission:

CeGaT Center for Human Genetics Tuebingen
Classification: Likely benign. Last evaluated: 2023-07-01. Review status: criteria provided, single submitter. Criteria: CeGaT Center For Human Genetics Tuebingen Variant Classification Criteria Version 2. Collection method: clinical testing. Allele origin: germline. Affected: yes. Observed: 1 variant allele.
Comment: NFIA: PM2, BP4, BS2

NM_001134673.4(NFIA):c.1255-5dup

Gene: NFIA (nuclear factor I A; plus strand). Cytogenetic location: 1p31.3.
Variant type: Duplication.
Coding change: c.1255-5dup on transcript NM_001134673.4 (MANE Select); 5 bases into the intron before coding-DNA position 1255, one base duplicated (C; older notation c.1255-5dupC).
Molecular consequence: intron variant.
Genome position (GRCh38, 1-based): chr1:61,406,557, C duplicated; the last of 14 consecutive C bases (chr1:61,406,544-61,406,557); duplicating any one gives the same sequence. VCF-style (leftmost placement, unchanged base first): chr1-61406543-G-GC. GRCh37 (hg19) VCF-style: chr1-61872215-G-GC.
Other names: c.1231-5dup (NM_001145511.2); c.1390-5dup (NM_001145512.2); c.1255-5dup (NM_005595.5).
Identifiers: ClinVar variation 2638855 (VCV002638855.11), dbSNP rs58081092, ClinGen allele CA881181.